The following is an entry in ClinVar:

NM_003477.3(PDHX):c.278T>C (p.Ile93Thr)

Gene: PDHX (pyruvate dehydrogenase complex component X; plus strand). Cytogenetic location: 11p13.
Variant type: single nucleotide variant.
Coding change: c.278T>C on transcript NM_003477.3 (MANE Select); coding-DNA position 278, T replaced by C.
Protein change: p.Ile93Thr; replaces isoleucine 93 with threonine.
Molecular consequence: missense variant.
Genome position (GRCh38, 1-based): chr11:34,947,542, T>C. VCF-style: chr11-34947542-T-C. GRCh37 (hg19) VCF-style: chr11-34969089-T-C.
Other names: c.98T>C, p.Ile33Thr (NM_001135024.2); c.278T>C, p.Ile93Thr (NM_001166158.2); short protein forms I33T, I93T.
Identifiers: ClinVar variation 4686901 (VCV004686901.1).

ClinVar aggregate classification (germline): Uncertain significance (1 of 4 stars; one submission).

gnomAD v4.1: 2 of 1,613,628 alleles (0.00012%); highest among the groups gnomAD compares: Non-Finnish European, 0.00017%; no homozygotes.

Submission:

GeneDx
Classification: Uncertain significance. Last evaluated: 2025-07-23. Review status: criteria provided, single submitter. Criteria: GeneDx Variant Classification Process June 2021. Collection method: clinical testing. Allele origin: germline. Affected: yes.
Comment: Not observed at significant frequency in large population cohorts (gnomAD); In silico analysis supports that this missense variant has a deleterious effect on protein structure/function; Has not been previously published as pathogenic or benign to our knowledge